The following is an entry in ClinVar:

NM_001388492.1(HTT):c.54GCA[40] (p.Gln18_Gln38dup)

Genes: HTT (huntingtin; plus strand), LOC109461479 (huntingtin repeat instability region; plus strand), LOC129929027 (ATAC-STARR-seq lymphoblastoid silent region 15199; plus strand). Cytogenetic location: 4p16.3.
Variant type: Microsatellite.
Coding change: c.54GCA[40] on transcript NM_001388492.1 (MANE Select); 40 copies in a row of the 3-base unit GCA starting at c.54.
Protein change: p.Gln18_Gln38dup.
Molecular consequence: inframe insertion.
Genome position: GRCh38, VCF-style position (the base before the change): chr4:3,074,876. GRCh37 (hg19), VCF-style position (the base before the change): chr4:3,076,603.
Other names: c.60_110dup (NM_002111.8); c.54GCA[40], p.Gln22_Gln40dup (NM_002111.8).
Identifiers: ClinVar variation 1687507 (VCV001687507.1), dbSNP rs71180116, ClinGen allele CA1058622653.

ClinVar aggregate classification (germline): Likely pathogenic (1 of 4 stars; one submission).

Conditions:
Huntington disease (HD). Also called: Huntington's chorea; Huntington's disease; HUNTINGTON CHOREA. Identifiers: Orphanet 248111, Orphanet 399, MedGen C0020179, MONDO:0007739, OMIM 143100.

Submission:

3billion
Classification: Likely pathogenic for Huntington disease. Last evaluated: 2022-05-22. Review status: criteria provided, single submitter. Criteria: ACMG Guidelines, 2015. Collection method: clinical testing. Allele origin: germline. Affected: yes. Observed: 1 heterozygote.
Comment: The variant is not observed in the gnomAD v2.1.1 dataset. Inframe insertion variant (CAG repeat expansion). The variant has been reported to be associated with HTT related disorder (PMID: 25356969, ClinVar ID: VCV000031916). Therefore, this variant is classified as pathogenic according to the recommendation of ACMG/AMP guideline.

Literature cited by the submitters: PubMed 25356969.